The following is an entry in ClinVar:

NM_001370259.2(MEN1):c.1411T>G (p.Trp471Gly)

Gene: MEN1 (menin 1; minus strand). Cytogenetic location: 11q13.1.
Variant type: single nucleotide variant.
Coding change: c.1411T>G on transcript NM_001370259.2 (MANE Select); coding-DNA position 1411, T replaced by G.
Protein change: p.Trp471Gly; replaces tryptophan 471 with glycine.
Molecular consequence: missense variant. On other transcripts: non-coding transcript variant (4).
Genome position (GRCh38, 1-based): chr11:64,804,756, A>C on the plus strand (T>G on the coding strand, the complement: MEN1 is on the minus strand). VCF-style: chr11-64804756-A-C. GRCh37 (hg19) VCF-style: chr11-64572228-A-C.
Other names: c.1426T>G, p.Trp476Gly (NM_000244.4, NM_130800.3, NM_130801.3 and 4 more transcripts); c.1537T>G, p.Trp513Gly (NM_001370251.2, NM_001407142.1, NM_001407143.1 and 1 more transcripts); c.1411T>G, p.Trp471Gly (NM_001370260.2, NM_001370261.2, NM_130799.3 and 2 more transcripts); c.1306T>G, p.Trp436Gly (NM_001370262.2, NM_001370263.2, NM_001407148.1 and 1 more transcripts); c.1432T>G, p.Trp478Gly (NM_001407151.1); c.1246T>G, p.Trp416Gly (NM_001407152.1); c.1552T>G, p.Trp518Gly (NM_001407150.1); short protein forms W416G, W436G, W471G, W476G, W478G, W513G, W518G.
Identifiers: ClinVar variation 4800415 (VCV004800415.1).
Genomic context (GRCh38, chr11:64,804,756, plus strand): 5'-CCTCTGGCTTGGACTCCCGCCGTGGGCCCCGCCGCCGGCCTTCCCGGGCTTCCTCGCCCC[A>C]CGGCTCCTCGGCCTCGGCCGCCTCGGCCTCTCGGCTCACTATGCGCACCTTCTGCCGCAC-3'
Protein context (NP_001357188.2, residues 461-481): EAEAAEAEEP[Trp471Gly]GEEAREGRRR

ClinVar aggregate classification (germline): Uncertain significance (1 of 4 stars; one submission).

Conditions:
Multiple endocrine neoplasia, type 1 (MEN1). Also called: MEA I; MEN I; WERMER SYNDROME; Endocrine adenomatosis multiple; MEN 1. Identifiers: Orphanet 652, MedGen C0025267, MeSH D018761, MONDO:0007540, OMIM 131100.

Submission:

Labcorp Genetics (formerly Invitae), Labcorp
Classification: Uncertain significance for Multiple endocrine neoplasia, type 1. Last evaluated: 2025-03-03. Review status: criteria provided, single submitter. Criteria: Invitae Variant Classification Sherloc (09022015). Collection method: clinical testing. Allele origin: germline.
Comment: This sequence change replaces tryptophan, which is neutral and slightly polar, with glycine, which is neutral and non-polar, at codon 471 of the MEN1 protein (p.Trp471Gly). This variant is not present in population databases (gnomAD no frequency). This variant has not been reported in the literature in individuals affected with MEN1-related conditions. Invitae Evidence Modeling of protein sequence and biophysical properties (such as structural, functional, and spatial information, amino acid conservation, physicochemical variation, residue mobility, and thermodynamic stability) indicates that this missense variant is not expected to disrupt MEN1 protein function with a negative predictive value of 95%. In summary, the available evidence is currently insufficient to determine the role of this variant in disease. Therefore, it has been classified as a Variant of Uncertain Significance.